The following is an entry in ClinVar:

NM_053013.4(ENO3):c.-88G>A

Gene: ENO3 (enolase 3; plus strand). Cytogenetic location: 17p13.2.
Variant type: single nucleotide variant.
Coding change: c.-88G>A on transcript NM_053013.4 (MANE Select); 88 bases upstream of the start codon, G replaced by A.
Molecular consequence: genic upstream transcript variant. On other transcripts: intron variant (1).
Genome position (GRCh38, 1-based): chr17:4,951,097, G>A. VCF-style: chr17-4951097-G-A. GRCh37 (hg19) VCF-style: chr17-4854392-G-A.
Other names: c.25+467G>A (NM_001374524.1).
Identifiers: ClinVar variation 324133 (VCV000324133.8), dbSNP rs73343373, ClinGen allele CA10640018.

ClinVar aggregate classification (germline): Benign/Likely benign. Review status: criteria provided, multiple submitters, no conflicts (2 of 4 stars). 2 submissions from 2 submitters: Benign (1); Likely benign (1). Last evaluated 2021-10-08.

Conditions:
Glycogen storage disease due to muscle beta-enolase deficiency (GSD13). Also called: ENOLASE 3 DEFICIENCY; ENOLASE-BETA DEFICIENCY; GSD XIII; Glycogen Storage Disease Type XIII. Identifiers: Orphanet 99849, MedGen C2752027, MONDO:0013046, OMIM 612932.

Allele frequency attached by ClinVar (database versions not stated): gnomAD 0.01865 and 0.01987; TOPMed 0.01989; 1000 Genomes Project 0.02077; 1000 Genomes Project 30x 0.02155.
gnomAD v4.1: 4,130 of 986,372 alleles (0.42%); highest among the groups gnomAD compares: African/African-American, 6.6%; 140 homozygotes.

Submissions (2):

Fulgent Genetics
Classification: Likely benign for Glycogen storage disease due to muscle beta-enolase deficiency. Last evaluated: 2021-10-08. Review status: criteria provided, single submitter. Criteria: ACMG Guidelines, 2015. Collection method: clinical testing. Allele origin: unknown.

Illumina Laboratory Services, Illumina
Classification: Benign for Glycogen storage disease due to muscle beta-enolase deficiency. Last evaluated: 2018-01-13. Review status: criteria provided, single submitter. Criteria: ICSL Variant Classification Criteria 13 December 2019. Collection method: clinical testing. Allele origin: germline.
Comment: This variant was observed in the ICSL laboratory as part of a predisposition screen in an ostensibly healthy population. It had not been previously curated by ICSL or reported in the Human Gene Mutation Database (HGMD: prior to June 1st, 2018), and was therefore a candidate for classification through an automated scoring system. Utilizing variant allele frequency, disease prevalence and penetrance estimates, and inheritance mode, an automated score was calculated to assess if this variant is too frequent to cause the disease. Based on the score and internal cut-off values, a variant classified as benign is not then subjected to further curation. The score for this variant resulted in a classification of benign for this disease.